The following is an entry in ClinVar:

ClinVar aggregate classification (germline): Uncertain significance (1 of 4 stars; one submission).

Conditions:
Cystic fibrosis (CF). Also called: MUCOVISCIDOSIS. Identifiers: Orphanet 586, MedGen C0010674, MONDO:0009061, OMIM 219700. Disease mechanism: loss of function.

Submission:

Ambry Genetics
Classification: Uncertain significance for Cystic fibrosis. Last evaluated: 2026-06-12. Review status: criteria provided, single submitter. Criteria: Ambry Variant Classification Scheme 2023. Collection method: clinical testing. Allele origin: germline.
Comment: The p.A1466V variant (also known as c.4397C>T), located in coding exon 27 of the CFTR gene, results from a C to T substitution at nucleotide position 4397. The alanine at codon 1466 is replaced by valine, an amino acid with similar properties. This amino acid position is conserved. In addition, the in silico prediction for this alteration is inconclusive. Based on the available evidence, the clinical significance of this variant remains unclear.

NM_000492.4(CFTR):c.4397C>T (p.Ala1466Val)

Genes: CFTR (CF transmembrane conductance regulator; plus strand), LOC111674477 (CFTR intron 23 enhancer; plus strand). Cytogenetic location: 7q31.2.
Variant type: single nucleotide variant.
Coding change: c.4397C>T on transcript NM_000492.4 (MANE Select); coding-DNA position 4397, C replaced by T.
Protein change: p.Ala1466Val; replaces alanine 1466 with valine.
Molecular consequence: missense variant.
Genome position (GRCh38, 1-based): chr7:117,667,062, C>T. VCF-style: chr7-117667062-C-T. GRCh37 (hg19) VCF-style: chr7-117307116-C-T.
Other names: short protein forms A1466V.
Identifiers: ClinVar variation 4868862 (VCV004868862.1).
Genomic context (GRCh38, chr7:117,667,062, plus strand): 5'-GGGTGAAGCTCTTTCCCCACCGGAACTCAAGCAAGTGCAAGTCTAAGCCCCAGATTGCTG[C>T]TCTGAAAGAGGAGACAGAAGAAGAGGTGCAAGATACAAGGCTTTAGAGAGCAGCATAAAT-3'
Protein context (NP_000483.3, residues 1456-1476): SKCKSKPQIA[Ala1466Val]LKEETEEEVQ